The following is an entry in ClinVar:

NM_001244008.2(KIF1A):c.2266-4A>C

Gene: KIF1A (kinesin family member 1A; minus strand). Cytogenetic location: 2q37.3.
Variant type: single nucleotide variant.
Coding change: c.2266-4A>C on transcript NM_001244008.2 (MANE Select); 4 bases into the intron before coding-DNA position 2266, A replaced by C.
Molecular consequence: intron variant.
Genome position (GRCh38, 1-based): chr2:240,760,847, T>G on the plus strand (A>C on the coding strand, the complement: KIF1A is on the minus strand). VCF-style: chr2-240760847-T-G. GRCh37 (hg19) VCF-style: chr2-241700264-T-G.
Other names: c.2239-4A>C (NM_001379653.1, NM_001379650.1, NM_001379645.1 and 10 more transcripts); c.2341-4A>C (NM_001379635.1, NM_001330290.2, NM_001379646.1 and 2 more transcripts); c.2314-4A>C (NM_001379637.1, NM_001379648.1); c.2266-4A>C (NM_001320705.2, NM_001379638.1, NM_001330289.2).
Identifiers: ClinVar variation 1638239 (VCV001638239.10), dbSNP rs760023084, ClinGen allele CA2573135617.

ClinVar aggregate classification (germline): Conflicting classifications of pathogenicity. Review status: criteria provided, conflicting classifications (1 of 4 stars). 2 submissions from 2 submitters: Uncertain significance (1); Likely benign (1). Last evaluated 2021-03-09.

Conditions:
Hereditary spastic paraplegia 30. Identifiers: Orphanet 101010, MedGen C5235139, MONDO:0012476.
Intellectual disability, autosomal dominant 9 (NESCAVS). Also called: NESCAV SYNDROME; KIF1A-Related Neurodevelopmental Disorder. Identifiers: Orphanet 662367, MedGen C5393830, MONDO:0013656, OMIM 614255.
Neuropathy, hereditary sensory, type 2C. Also called: KIF1A-Related HSAN2 (HSAN2C); Hereditary sensory and autonomic neuropathy type IIC. Identifiers: Orphanet 970, MedGen C3280168, MONDO:0013634, OMIM 614213.
Inborn genetic diseases. Identifiers: MedGen C0950123, MeSH D030342.

Submissions (2):

Labcorp Genetics (formerly Invitae), Labcorp
Classification: Likely benign for Hereditary spastic paraplegia 30; Neuropathy, hereditary sensory, type 2C; Intellectual disability, autosomal dominant 9. Last evaluated: 2021-03-09. Review status: criteria provided, single submitter. Criteria: Invitae Variant Classification Sherloc (09022015). Collection method: clinical testing. Allele origin: germline.

Ambry Genetics
Classification: Uncertain significance for Inborn genetic diseases. Last evaluated: 2020-01-08. Review status: criteria provided, single submitter. Criteria: Ambry Variant Classification Scheme 2023. Collection method: clinical testing. Allele origin: germline.
Comment: The c.2266-4A>C intronic variant results from an A to C substitution 4 nucleotides upstream from coding exon 24 in the KIF1A gene. This nucleotide position is not well conserved in available vertebrate species. Using the BDGP and ESEfinder splice site prediction tools, this alteration is not predicted to have any significant effect on this splice acceptor site; however, direct evidence is unavailable. Since supporting evidence is limited at this time, the clinical significance of this alteration remains unclear.